The following is an entry in ClinVar:

NM_016938.5(EFEMP2):c.511C>T (p.Arg171Cys)

Gene: EFEMP2 (EGF containing fibulin extracellular matrix protein 2; minus strand). Cytogenetic location: 11q13.1.
Variant type: single nucleotide variant.
Coding change: c.511C>T on transcript NM_016938.5 (MANE Select); coding-DNA position 511, C replaced by T.
Protein change: p.Arg171Cys; replaces arginine 171 with cysteine.
Molecular consequence: missense variant. On other transcripts: non-coding transcript variant (1).
Genome position (GRCh38, 1-based): chr11:65,870,217, G>A on the plus strand (C>T on the coding strand, the complement: EFEMP2 is on the minus strand). VCF-style: chr11-65870217-G-A. GRCh37 (hg19) VCF-style: chr11-65637688-G-A.
Other names: short protein forms R171C.
Identifiers: ClinVar variation 1745458 (VCV001745458.3), dbSNP rs148075092, ClinGen allele CA6110627.

ClinVar aggregate classification (germline): Uncertain significance (1 of 4 stars; one submission).

Conditions:
Cardiovascular phenotype. Identifiers: MedGen CN230736.

Allele frequency attached by ClinVar (database versions not stated): gnomAD exomes 0.00002; ExAC 0.00002; gnomAD 0.00003.
gnomAD v4.1: 31 of 1,613,376 alleles (0.0019%); highest among the groups gnomAD compares: Admixed American, 0.0033%; no homozygotes.

Submission:

Ambry Genetics
Classification: Uncertain significance for Cardiovascular phenotype. Last evaluated: 2025-05-18. Review status: criteria provided, single submitter. Criteria: Ambry Variant Classification Scheme 2023. Collection method: clinical testing. Allele origin: germline.
Comment: The p.R171C variant (also known as c.511C>T), located in coding exon 5 of the EFEMP2 gene, results from a C to T substitution at nucleotide position 511. The arginine at codon 171 is replaced by cysteine, an amino acid with highly dissimilar properties. This amino acid position is well conserved in available vertebrate species. In addition, this alteration is predicted to be deleterious by in silico analysis. Since supporting evidence is limited at this time, the clinical significance of this alteration remains unclear.